The following is an entry in ClinVar:

ClinVar aggregate classification (germline): Uncertain significance (1 of 4 stars; one submission).

Conditions:
Inborn genetic diseases. Identifiers: MedGen C0950123, MeSH D030342.

Submission:

Ambry Genetics
Classification: Uncertain significance for Inborn genetic diseases. Last evaluated: 2026-01-14. Review status: criteria provided, single submitter. Criteria: Ambry Variant Classification Scheme 2023. Collection method: clinical testing. Allele origin: germline.
Comment: The p.H283Y variant (also known as c.847C>T), located in coding exon 5 of the ETV6 gene, results from a C to T substitution at nucleotide position 847. The histidine at codon 283 is replaced by tyrosine, an amino acid with similar properties. This amino acid position is conserved. In addition, the in silico prediction for this alteration is inconclusive. Based on the available evidence, the clinical significance of this variant remains unclear.

NM_001987.5(ETV6):c.847C>T (p.His283Tyr)

Gene: ETV6 (ETS variant transcription factor 6; plus strand). Cytogenetic location: 12p13.2.
Variant type: single nucleotide variant.
Coding change: c.847C>T on transcript NM_001987.5 (MANE Select); coding-DNA position 847, C replaced by T.
Protein change: p.His283Tyr; replaces histidine 283 with tyrosine.
Molecular consequence: missense variant.
Genome position (GRCh38, 1-based): chr12:11,869,807, C>T. VCF-style: chr12-11869807-C-T. GRCh37 (hg19) VCF-style: chr12-12022741-C-T.
Other names: c.844C>T, p.His282Tyr (NM_001413913.1); c.820C>T, p.His274Tyr (NM_001413914.1); c.583C>T, p.His195Tyr (NM_001413915.1); c.847C>T, p.His283Tyr (NM_001413916.1, NM_001413917.1); short protein forms H274Y, H282Y, H195Y, H283Y.
Identifiers: ClinVar variation 4842531 (VCV004842531.1).